The following is an entry in ClinVar:

NM_000053.4(ATP7B):c.3745del (p.Val1249fs)

Gene: ATP7B (ATPase copper transporting beta; minus strand). Cytogenetic location: 13q14.3.
Variant type: Deletion.
Coding change: c.3745del on transcript NM_000053.4 (MANE Select); coding-DNA position 3745, one base deleted (G; older notation c.3745delG).
Protein change: p.Val1249fs; shifts the reading frame from valine 1249.
Molecular consequence: frameshift variant. On other transcripts: intron variant (1).
Genome position (GRCh38, 1-based): chr13:51,937,634, C deleted on the plus strand (G on the coding strand, the reverse complement: ATP7B is on the minus strand); the first of 2 consecutive C bases (chr13:51,937,634-51,937,635); deleting either gives the same sequence. VCF-style (leftmost placement, unchanged base first): chr13-51937633-AC-A. GRCh37 (hg19) VCF-style: chr13-52511769-AC-A.
Other names: c.3259del, p.Val1087fs (NM_001406542.1, NM_001406541.1); c.3253del, p.Val1085fs (NM_001406543.1); c.3163del, p.Val1055fs (NM_001406544.1); c.3097del, p.Val1033fs (NM_001406545.1); c.3064del, p.Val1022fs (NM_001406546.1); c.2902del, p.Val968fs (NM_001406547.1); c.2455del, p.Val819fs (NM_001406548.1); c.3700-241del (NM_001406526.1); and 21 more; short protein forms V1022fs, V1033fs, V1042fs, V1055fs, V1085fs, V1087fs, V1100fs, V1106fs.
Identifiers: ClinVar variation 4528913 (VCV004528913.2).
Genomic context (GRCh38, chr13:51,937,633, plus strand): 5'-ACCCCATCCCCCACCATGGCGACTTTCTTCCCTTTATTCTGGAGCTCCTGGACCTTGGCC[AC>A]CTTGTGCGAAGGCAGCACCTCTGCAAAGACTTTGTTGATGCCAACCTAAGACAAAAGGAA-3'

ClinVar aggregate classification (germline): Pathogenic/Likely pathogenic. Review status: criteria provided, multiple submitters, no conflicts (2 of 4 stars). 2 submissions from 2 submitters: Pathogenic (1); Likely pathogenic (1). Last evaluated 2024-12-18.

Conditions:
Wilson disease (WND). Also called: Wilson's disease. Identifiers: Orphanet 905, MedGen C0019202, MONDO:0010200, OMIM 277900. Disease mechanism: loss of function.

Submissions (2):

Myriad Genetics, Inc.
Classification: Pathogenic for Wilson disease. Last evaluated: 2024-12-18. Review status: criteria provided, single submitter. Criteria: Myriad Autosomal Dominant, Autosomal Recessive and X-Linked Classification Criteria (2023). Collection method: clinical testing. Allele origin: unknown.
Comment: NM_000053.3(ATP7B):c.3745delG(V1249Wfs*81) is expected to be pathogenic in the context of Wilson disease. This variant is predicted to lead to an abnormal or absent protein product due to the creation of a premature termination codon in ATP7B, a gene where loss-of-function variants are known to be pathogenic. Please note: this variant was assessed in the context of healthy population screening.

Dr. Moinak Lab, Sanjay Gandhi Postgraduate Institute of Medical Sciences
Classification: Likely pathogenic for Wilson disease. Last evaluated: 2024-04-30. Review status: criteria provided, single submitter. Criteria: ACMG Guidelines, 2015. Collection method: clinical testing. Allele origin: germline. Inheritance: Autosomal recessive inheritance. Affected: yes. Observed: 1 compound heterozygote.
Comment: ATP7B: c.3745del is a novel frameshift variant involving a single-nucleotide deletion in exon 18. This results in a shift of the reading frame beginning at codon 1249, replacing Valine with Tryptophan and introducing a premature stop codon 81 residues downstream (p.Val1249Trpfs*81), likely leading to a truncated and non-functional protein

Literature cited by the submitters: PubMed 20301685 (cited by Dr. Moinak Lab, Sanjay Gandhi Postgraduate Institute of Medical Sciences).